The following is an entry in ClinVar:

NM_003995.4(NPR2):c.3118C>T (p.Arg1040Trp)

Genes: NPR2 (natriuretic peptide receptor 2; plus strand), SPAG8 (sperm associated antigen 8; minus strand). Cytogenetic location: 9p13.3.
Variant type: single nucleotide variant.
Coding change: c.3118C>T on transcript NM_003995.4 (MANE Select); coding-DNA position 3118, C replaced by T.
Protein change: p.Arg1040Trp; replaces arginine 1040 with tryptophan.
Molecular consequence: missense variant. On other transcripts: intron variant (1).
Genome position (GRCh38, 1-based): chr9:35,809,419, C>T. VCF-style: chr9-35809419-C-T. GRCh37 (hg19) VCF-style: chr9-35809416-C-T.
Other names: c.1357G>A, p.Ala453Thr (NM_172312.2); c.3127C>T, p.Arg1043Trp (NM_001378923.1); c.1200+1020G>A (NM_001366760.2); short protein forms A453T, R1043W, R1040W.
Identifiers: ClinVar variation 2950564 (VCV002950564.3), dbSNP rs755731628, ClinGen allele CA5052222.

ClinVar aggregate classification (germline): Uncertain significance (1 of 4 stars; one submission).

Conditions:
Acromesomelic dysplasia 1, Maroteaux type (AMD1). Also called: ST. HELENA DYSPLASIA; ACROMESOMELIC DYSPLASIA 1. Identifiers: Orphanet 40, MedGen C1864356, MONDO:0011275, OMIM 602875.
Tall stature-scoliosis-macrodactyly of the great toes syndrome. Also called: Epiphyseal chondrodysplasia, miura type. Identifiers: Orphanet 329191, MedGen C4014690, MONDO:0014401, OMIM 615923.

Allele frequency attached by ClinVar (database versions not stated): ExAC 0.00003.
gnomAD v4.1: 79 of 1,613,998 alleles (0.0049%); highest among the groups gnomAD compares: Middle Eastern, 0.016%; 1 homozygote.

Submission:

Labcorp Genetics (formerly Invitae), Labcorp
Classification: Uncertain significance for Tall stature-scoliosis-macrodactyly of the great toes syndrome; Acromesomelic dysplasia 1, Maroteaux type. Last evaluated: 2025-09-16. Review status: criteria provided, single submitter. Criteria: Invitae Variant Classification Sherloc (09022015). Collection method: clinical testing. Allele origin: germline.
Comment: This sequence change replaces arginine, which is basic and polar, with tryptophan, which is neutral and slightly polar, at codon 1040 of the NPR2 protein (p.Arg1040Trp). This variant is present in population databases (rs755731628, gnomAD 0.007%). This variant has not been reported in the literature in individuals affected with NPR2-related conditions. ClinVar contains an entry for this variant (Variation ID: 2950564). Invitae Evidence Modeling of protein sequence and biophysical properties (such as structural, functional, and spatial information, amino acid conservation, physicochemical variation, residue mobility, and thermodynamic stability) indicates that this missense variant is not expected to disrupt NPR2 protein function with a negative predictive value of 80%. In summary, the available evidence is currently insufficient to determine the role of this variant in disease. Therefore, it has been classified as a Variant of Uncertain Significance.